The following is an entry in ClinVar:

NM_001367624.2(ZNF469):c.8993G>A (p.Arg2998Gln)

Gene: ZNF469 (zinc finger protein 469; plus strand). Cytogenetic location: 16q24.2.
Variant type: single nucleotide variant.
Coding change: c.8993G>A on transcript NM_001367624.2 (MANE Select); coding-DNA position 8993, G replaced by A.
Protein change: p.Arg2998Gln; replaces arginine 2998 with glutamine.
Molecular consequence: missense variant.
Genome position (GRCh38, 1-based): chr16:88,436,463, G>A. VCF-style: chr16-88436463-G-A. GRCh37 (hg19) VCF-style: chr16-88502871-G-A.
Other names: NM_001127464.1:c.8909G>A; short protein forms R2998Q.
Identifiers: ClinVar variation 1314661 (VCV001314661.4), dbSNP rs1165825244, ClinGen allele CA397120093.

ClinVar aggregate classification (germline): Uncertain significance. Review status: criteria provided, multiple submitters, no conflicts (2 of 4 stars). 2 submissions from 2 submitters: Uncertain significance (2). Last evaluated 2023-05-11.

Conditions:
Cardiovascular phenotype. Identifiers: MedGen CN230736.

Allele frequency attached by ClinVar (database versions not stated): gnomAD exomes 0.00001 and 0.00002; gnomAD 0.00002; TOPMed 0.00002.
gnomAD v4.1: 17 of 1,546,792 alleles (0.0011%); highest among the groups gnomAD compares: African/African-American, 0.0055%; no homozygotes.

Submissions (2):

Ambry Genetics
Classification: Uncertain significance for Cardiovascular phenotype. Last evaluated: 2023-05-11. Review status: criteria provided, single submitter. Criteria: Ambry Variant Classification Scheme 2023. Collection method: clinical testing. Allele origin: germline.
Comment: The p.R2970Q variant (also known as c.8909G>A), located in coding exon 2 of the ZNF469 gene, results from a G to A substitution at nucleotide position 8909. The arginine at codon 2970 is replaced by glutamine, an amino acid with highly similar properties. This amino acid position is conserved. In addition, this alteration is predicted to be tolerated by in silico analysis. Since supporting evidence is limited at this time, the clinical significance of this alteration remains unclear.

GeneDx
Classification: Uncertain significance. Last evaluated: 2021-04-12. Review status: criteria provided, single submitter. Criteria: GeneDx Variant Classification Process June 2021. Collection method: clinical testing. Allele origin: germline. Affected: yes.
Comment: Not observed at a significant frequency in large population cohorts (Lek et al., 2016); In silico analysis supports that this missense variant does not alter protein structure/function; Has not been previously published as pathogenic or benign to our knowledge